The following is an entry in ClinVar:

ClinVar aggregate classification (germline): Uncertain significance. Review status: criteria provided, multiple submitters, no conflicts (2 of 4 stars). 3 submissions from 3 submitters: Uncertain significance (3). Last evaluated 2025-02-28.

Conditions:
Hereditary cancer-predisposing syndrome. Also called: Hereditary neoplastic syndrome; Neoplastic Syndromes, Hereditary; Hereditary Cancer Syndrome; Tumor predisposition. Identifiers: Orphanet 140162, MedGen C0027672, MeSH D009386, MONDO:0015356.
Familial adenomatous polyposis 2. Also called: MUTYH-related attenuated familial adenomatous polyposis; MYH-associated polyposis; MUTYH-associated polyposis; Adenomas, multiple colorectal; FAP type 2; MUTYH Polyposis. Identifiers: Orphanet 220460, Orphanet 247798, MedGen C3272841, MONDO:0012041, OMIM 608456.
Gastric cancer. Also called: Stomach cancer; Malignant tumor of stomach. Identifiers: MedGen C0024623, MeSH D013274, MONDO:0001056, OMIM 613659, HP:0012126.

Submissions (3):

Ambry Genetics
Classification: Uncertain significance for Hereditary cancer-predisposing syndrome. Last evaluated: 2025-02-28. Review status: criteria provided, single submitter. Criteria: Ambry Variant Classification Scheme 2023. Collection method: clinical testing. Allele origin: germline.
Comment: The p.G472V variant (also known as c.1415G>T), located in coding exon 14 of the MUTYH gene, results from a G to T substitution at nucleotide position 1415. The glycine at codon 472 is replaced by valine, an amino acid with dissimilar properties. This amino acid position is conserved. In addition, this alteration is predicted to be deleterious by in silico analysis. Based on the available evidence, the clinical significance of this variant remains unclear.

Labcorp Genetics (formerly Invitae), Labcorp
Classification: Uncertain significance for Familial adenomatous polyposis 2. Last evaluated: 2023-07-29. Review status: criteria provided, single submitter. Criteria: Invitae Variant Classification Sherloc (09022015). Collection method: clinical testing. Allele origin: germline.
Comment: This sequence change replaces glycine, which is neutral and non-polar, with valine, which is neutral and non-polar, at codon 472 of the MUTYH protein (p.Gly472Val). This variant is not present in population databases (gnomAD no frequency). This missense change has been observed in individual(s) with clinical features of MUTYH-associated polyposis (Invitae). In at least one individual the data is consistent with being in trans (on the opposite chromosome) from a pathogenic variant. ClinVar contains an entry for this variant (Variation ID: 533310). An algorithm developed to predict the effect of missense changes on protein structure and function (PolyPhen-2) suggests that this variant is likely to be disruptive. RNA analysis performed to evaluate the impact of this missense change on mRNA splicing indicates it does not significantly alter splicing (Invitae). In summary, the available evidence is currently insufficient to determine the role of this variant in disease. Therefore, it has been classified as a Variant of Uncertain Significance.

Fulgent Genetics
Classification: Uncertain significance for Familial adenomatous polyposis 2; Gastric cancer. Last evaluated: 2021-08-12. Review status: criteria provided, single submitter. Criteria: ACMG Guidelines, 2015. Collection method: clinical testing. Allele origin: unknown.

NM_001048174.2(MUTYH):c.1331G>T (p.Gly444Val)

Gene: MUTYH (mutY DNA glycosylase; minus strand). Cytogenetic location: 1p34.1.
Variant type: single nucleotide variant.
Coding change: c.1331G>T on transcript NM_001048174.2 (MANE Select); coding-DNA position 1331, G replaced by T.
Protein change: p.Gly444Val; replaces glycine 444 with valine.
Molecular consequence: missense variant. On other transcripts: non-coding transcript variant (2).
Genome position (GRCh38, 1-based): chr1:45,331,243, C>A on the plus strand (G>T on the coding strand, the complement: MUTYH is on the minus strand). VCF-style: chr1-45331243-C-A. GRCh37 (hg19) VCF-style: chr1-45796915-C-A.
Other names: c.1331G>T, p.Gly444Val (NM_001048171.2, NM_001048173.2, NM_001293195.2); c.1334G>T, p.Gly445Val (NM_001048172.2); c.1415G>T, p.Gly472Val (NM_001128425.2); c.1376G>T, p.Gly459Val (NM_001293190.2); c.1364G>T, p.Gly455Val (NM_001293191.2); c.1055G>T, p.Gly352Val (NM_001293192.2, NM_001293196.2); c.986G>T, p.Gly329Val (NM_001350650.2, NM_001350651.2); c.1406G>T, p.Gly469Val (NM_012222.3); short protein forms G472V, G459V, G469V, G329V, G445V, G455V, G352V, G444V.
Identifiers: ClinVar variation 533310 (VCV000533310.12), dbSNP rs1553125016, ClinGen allele CA340132623.